The following is an entry in ClinVar:

ClinVar aggregate classification (germline): Pathogenic/Likely pathogenic. Review status: criteria provided, multiple submitters, no conflicts (2 of 4 stars). 2 submissions from 2 submitters: Pathogenic (1); Likely pathogenic (1). Last evaluated 2025-05-20.

Conditions:
Hereditary cancer-predisposing syndrome. Also called: Hereditary neoplastic syndrome; Tumor predisposition; Neoplastic Syndromes, Hereditary; Hereditary Cancer Syndrome. Identifiers: Orphanet 140162, MedGen C0027672, MeSH D009386, MONDO:0015356.
Retinoblastoma (RB1). Also called: RETINOBLASTOMA, SOMATIC. Identifiers: Orphanet 790, MedGen C0035335, MeSH D012175, MONDO:0008380, OMIM 180200, HP:0009919. Disease mechanism: loss of function. Inheritance: Both sporadic and heritable forms are tested..

Submissions (2):

Ambry Genetics
Classification: Likely pathogenic for Hereditary cancer-predisposing syndrome. Last evaluated: 2025-05-20. Review status: criteria provided, single submitter. Criteria: Ambry Variant Classification Scheme 2023. Collection method: clinical testing. Allele origin: germline.
Comment: The c.1390-2A>C intronic variant results from an A to C substitution two nucleotides upstream from coding exon 15 in the RB1 gene. This nucleotide position is highly conserved in available vertebrate species. This variant was reported in individual(s) with features consistent with hereditary retinoblastoma (Ambry internal data). In silico splice site analysis predicts that this alteration will weaken the native splice acceptor site and may result in the creation or strengthening of a novel splice acceptor site. This variant is considered to be rare based on population cohorts in the Genome Aggregation Database (gnomAD). Alterations that disrupt the canonical splice site are expected to cause aberrant splicing, resulting in an abnormal protein or a transcript that is subject to nonsense-mediated mRNA decay. As such, this alteration is classified as likely pathogenic.

Labcorp Genetics (formerly Invitae), Labcorp
Classification: Pathogenic for Retinoblastoma. Last evaluated: 2022-03-16. Review status: criteria provided, single submitter. Criteria: Invitae Variant Classification Sherloc (09022015). Collection method: clinical testing. Allele origin: germline.
Comment: This sequence change affects an acceptor splice site in intron 14 of the RB1 gene. It is expected to disrupt RNA splicing. Variants that disrupt the donor or acceptor splice site typically lead to a loss of protein function (PMID: 16199547), and loss-of-function variants in RB1 are known to be pathogenic (PMID: 17096365). This variant is not present in population databases (gnomAD no frequency). Disruption of this splice site has been observed in individual(s) with bilateral retinoblastoma (PMID: 27155049). ClinVar contains an entry for this variant (Variation ID: 569139). Algorithms developed to predict the effect of sequence changes on RNA splicing suggest that this variant may disrupt the consensus splice site. For these reasons, this variant has been classified as Pathogenic.

Literature cited by the submitters: PubMed 16199547 (cited by Labcorp Genetics (formerly Invitae), Labcorp); PubMed 17096365 (cited by Labcorp Genetics (formerly Invitae), Labcorp); PubMed 27155049 (cited by Labcorp Genetics (formerly Invitae), Labcorp).

NM_000321.3(RB1):c.1390-2A>C

Gene: RB1 (RB transcriptional corepressor 1; plus strand). Cytogenetic location: 13q14.2.
Variant type: single nucleotide variant.
Coding change: c.1390-2A>C on transcript NM_000321.3 (MANE Select); the canonical splice acceptor site of the intron before coding-DNA position 1390, A replaced by C.
Molecular consequence: splice acceptor variant.
Genome position (GRCh38, 1-based): chr13:48,380,051, A>C. VCF-style: chr13-48380051-A-C. GRCh37 (hg19) VCF-style: chr13-48954187-A-C.
Other names: c.1390-2A>C (NM_001407165.1, NM_001407166.1).
Identifiers: ClinVar variation 569139 (VCV000569139.10), dbSNP rs1555286568, ClinGen allele CA388162663.